The following is an entry in ClinVar:

NM_004333.6(BRAF):c.1642T>C (p.Phe548Leu)

Gene: BRAF (B-Raf proto-oncogene, serine/threonine kinase; minus strand). Cytogenetic location: 7q34.
Variant type: single nucleotide variant.
Coding change: c.1642T>C on transcript NM_004333.6 (MANE Select); coding-DNA position 1642, T replaced by C.
Protein change: p.Phe548Leu; replaces phenylalanine 548 with leucine.
Molecular consequence: missense variant.
Genome position (GRCh38, 1-based): chr7:140,776,964, A>G on the plus strand (T>C on the coding strand, the complement: BRAF is on the minus strand). VCF-style: chr7-140776964-A-G. GRCh37 (hg19) VCF-style: chr7-140476764-A-G.
Other names: c.1642T>C, p.Phe548Leu (NM_001354609.2, NM_001378468.1, NM_001378474.1); c.1762T>C, p.Phe588Leu (NM_001374244.1, NM_001374258.1); c.1651T>C, p.Phe551Leu (NM_001378467.1); c.1576T>C, p.Phe526Leu (NM_001378469.1); c.1540T>C, p.Phe514Leu (NM_001378470.1); c.1531T>C, p.Phe511Leu (NM_001378471.1); c.1486T>C, p.Phe496Leu (NM_001378472.1, NM_001378473.1); c.1378T>C, p.Phe460Leu (NM_001378475.1); short protein forms F514L, F548L, F496L, F460L, F511L, F551L, F588L, F526L.
Identifiers: ClinVar variation 1380885 (VCV001380885.6), dbSNP rs768303459, ClinGen allele CA4516698.

ClinVar aggregate classification (germline): Uncertain significance (1 of 4 stars; one submission).

Conditions:
RASopathy. Also called: rasopathies; Noonan spectrum disorder. Identifiers: Orphanet 536391, MedGen C5555857, MONDO:0021060.

Allele frequency attached by ClinVar (database versions not stated): gnomAD exomes below 0.00001; ExAC 0.00001.
gnomAD v4.1: 2 of 1,613,722 alleles (0.00012%); highest among the groups gnomAD compares: Non-Finnish European, 0.00017%; no homozygotes.

Submission:

Labcorp Genetics (formerly Invitae), Labcorp
Classification: Uncertain significance for RASopathy. Last evaluated: 2023-02-05. Review status: criteria provided, single submitter. Criteria: Invitae Variant Classification Sherloc (09022015). Collection method: clinical testing. Allele origin: germline.
Comment: In summary, the available evidence is currently insufficient to determine the role of this variant in disease. Therefore, it has been classified as a Variant of Uncertain Significance. Advanced modeling of protein sequence and biophysical properties (such as structural, functional, and spatial information, amino acid conservation, physicochemical variation, residue mobility, and thermodynamic stability) performed at Invitae indicates that this missense variant is not expected to disrupt BRAF protein function. ClinVar contains an entry for this variant (Variation ID: 1380885). This variant has not been reported in the literature in individuals affected with BRAF-related conditions. This variant is present in population databases (rs768303459, gnomAD 0.0009%). This sequence change replaces phenylalanine, which is neutral and non-polar, with leucine, which is neutral and non-polar, at codon 548 of the BRAF protein (p.Phe548Leu).